The following is an entry in ClinVar:

ClinVar aggregate classification (germline): Uncertain significance (1 of 4 stars; one submission).

Submission:

Labcorp Genetics (formerly Invitae), Labcorp
Classification: Uncertain significance. Last evaluated: 2024-10-16. Review status: criteria provided, single submitter. Criteria: Invitae Variant Classification Sherloc (09022015). Collection method: clinical testing. Allele origin: germline.
Comment: This sequence change replaces glycine, which is neutral and non-polar, with cysteine, which is neutral and slightly polar, at codon 1394 of the CDH23 protein (p.Gly1394Cys). This variant is not present in population databases (gnomAD no frequency). This variant has not been reported in the literature in individuals affected with CDH23-related conditions. ClinVar contains an entry for this variant (Variation ID: 1047320). Invitae Evidence Modeling of protein sequence and biophysical properties (such as structural, functional, and spatial information, amino acid conservation, physicochemical variation, residue mobility, and thermodynamic stability) has been performed for this missense variant. However, the output from this modeling did not meet the statistical confidence thresholds required to predict the impact of this variant on CDH23 protein function. In summary, the available evidence is currently insufficient to determine the role of this variant in disease. Therefore, it has been classified as a Variant of Uncertain Significance.

NM_022124.6(CDH23):c.4180G>T (p.Gly1394Cys)

Genes: C10orf105 (chromosome 10 open reading frame 105; minus strand), CDH23 (cadherin related 23; plus strand). Cytogenetic location: 10q22.1.
Variant type: single nucleotide variant.
Coding change: c.4180G>T on transcript NM_022124.6 (MANE Select); coding-DNA position 4180, G replaced by T.
Protein change: p.Gly1394Cys; replaces glycine 1394 with cysteine.
Molecular consequence: missense variant. On other transcripts: intron variant (1).
Genome position (GRCh38, 1-based): chr10:71,734,315, G>T. VCF-style: chr10-71734315-G-T. GRCh37 (hg19) VCF-style: chr10-73494072-G-T.
Other names: c.-6+3413C>A (NM_001168390.2); short protein forms G1394C.
Identifiers: ClinVar variation 1047320 (VCV001047320.8), dbSNP rs758181864, ClinGen allele CA377158527.